The following is an entry in ClinVar:

ClinVar aggregate classification (germline): Uncertain significance (1 of 4 stars; one submission).

Submission:

GeneDx
Classification: Uncertain significance. Last evaluated: 2025-07-08. Review status: criteria provided, single submitter. Criteria: GeneDx Variant Classification Process June 2021. Collection method: clinical testing. Allele origin: germline. Affected: yes.
Comment: Not observed at significant frequency in large population cohorts (gnomAD); In silico analysis supports that this missense variant has a deleterious effect on protein structure/function; Has not been previously published as pathogenic or benign to our knowledge

NM_003458.4(BSN):c.10771C>A (p.Arg3591Ser)

Gene: BSN (bassoon presynaptic cytomatrix protein; plus strand). Cytogenetic location: 3p21.31.
Variant type: single nucleotide variant.
Coding change: c.10771C>A on transcript NM_003458.4 (MANE Select); coding-DNA position 10771, C replaced by A.
Protein change: p.Arg3591Ser; replaces arginine 3591 with serine.
Molecular consequence: missense variant.
Genome position (GRCh38, 1-based): chr3:49,662,929, C>A. VCF-style: chr3-49662929-C-A. GRCh37 (hg19) VCF-style: chr3-49700362-C-A.
Other names: short protein forms R3591S.
Identifiers: ClinVar variation 4685262 (VCV004685262.1).